The following is an entry in ClinVar:

NM_003801.4(GPAA1):c.245A>G (p.Lys82Arg)

Gene: GPAA1 (glycosylphosphatidylinositol anchor attachment 1; plus strand). Cytogenetic location: 8q24.3.
Variant type: single nucleotide variant.
Coding change: c.245A>G on transcript NM_003801.4 (MANE Select); coding-DNA position 245, A replaced by G.
Protein change: p.Lys82Arg; replaces lysine 82 with arginine.
Molecular consequence: missense variant.
Genome position (GRCh38, 1-based): chr8:144,083,294, A>G. VCF-style: chr8-144083294-A-G. GRCh37 (hg19) VCF-style: chr8-145138197-A-G.
Other names: short protein forms K82R.
Identifiers: ClinVar variation 1438555 (VCV001438555.3), dbSNP rs782442448, ClinGen allele CA4932741.

ClinVar aggregate classification (germline): Uncertain significance (1 of 4 stars; one submission).

Allele frequency attached by ClinVar (database versions not stated): gnomAD exomes below 0.00001 and 0.00001; ExAC 0.00001; gnomAD 0.00001 and 0.00002; TOPMed 0.00002.

Submission:

Labcorp Genetics (formerly Invitae), Labcorp
Classification: Uncertain significance. Last evaluated: 2022-01-04. Review status: criteria provided, single submitter. Criteria: Invitae Variant Classification Sherloc (09022015). Collection method: clinical testing. Allele origin: germline.
Comment: This sequence change replaces lysine, which is basic and polar, with arginine, which is basic and polar, at codon 82 of the GPAA1 protein (p.Lys82Arg). This variant is present in population databases (rs782442448, gnomAD 0.02%). This variant has not been reported in the literature in individuals affected with GPAA1-related conditions. Algorithms developed to predict the effect of missense changes on protein structure and function output the following: SIFT: "Tolerated"; PolyPhen-2: "Benign"; Align-GVGD: "Class C0". The arginine amino acid residue is found in multiple mammalian species, which suggests that this missense change does not adversely affect protein function. Algorithms developed to predict the effect of sequence changes on RNA splicing suggest that this variant may create or strengthen a splice site. In summary, the available evidence is currently insufficient to determine the role of this variant in disease. Therefore, it has been classified as a Variant of Uncertain Significance.